The following is an entry in ClinVar:

ClinVar aggregate classification (germline): Pathogenic. Review status: criteria provided, multiple submitters, no conflicts (2 of 4 stars). 3 submissions from 3 submitters: Pathogenic (3). Last evaluated 2024-08-15.

Conditions:
Polycystic kidney disease, adult type (PKD1). Also called: Polycystic Kidney, Autosomal Dominant; Polycystic Kidney Disease 1, Autosomal Dominant; Polycystic kidney disease 1; Polycystic kidney disease 1, severe; POLYCYSTIC KIDNEY DISEASE, ADULT, TYPE I; POLYCYSTIC KIDNEY DISEASE 1 WITH OR WITHOUT POLYCYSTIC LIVER DISEASE. Identifiers: MedGen C3149841, MONDO:0008263, OMIM 173900.
PKD1-related disorder. Also called: PKD1-related condition.

Submissions (3):

Blueprint Genetics
Classification: Pathogenic for PKD1-related disorders. Last evaluated: 2024-08-15. Review status: criteria provided, single submitter. Criteria: ACMG Guidelines, 2015. Collection method: clinical testing. Allele origin: germline. Affected: yes. Observed: 3 variant alleles.

Fulgent Genetics
Classification: Pathogenic for Polycystic kidney disease, adult type. Last evaluated: 2024-01-04. Review status: criteria provided, single submitter. Criteria: ACMG Guidelines, 2015. Collection method: clinical testing. Allele origin: germline.

GeneDx
Classification: Pathogenic. Last evaluated: 2023-11-16. Review status: criteria provided, single submitter. Criteria: GeneDx Variant Classification Process June 2021. Collection method: clinical testing. Allele origin: germline.
Comment: Frameshift variant predicted to result in protein truncation or nonsense mediated decay in a gene for which loss-of-function is a known mechanism of disease; Not observed at significant frequency in large population cohorts (gnomAD); This variant is associated with the following publications: (PMID: 27499327)

NM_001009944.3(PKD1):c.3425_3428dup (p.Val1144fs)

Gene: PKD1 (polycystin 1, transient receptor potential channel interacting; minus strand). Cytogenetic location: 16p13.3.
Variant type: Microsatellite.
Coding change: c.3425_3428dup on transcript NM_001009944.3 (MANE Select); coding-DNA positions 3425 to 3428, 4 bases duplicated (GGCC; older notation c.3425_3428dupGGCC).
Protein change: p.Val1144fs; shifts the reading frame from valine 1144.
Molecular consequence: frameshift variant.
Genome position (GRCh38, 1-based): chr16:2,111,739-2,111,742, GGCC duplicated on the plus strand (GGCC on the coding strand, the reverse complement: PKD1 is on the minus strand); duplicating any 4 consecutive bases within chr16:2,111,739-2,111,750 gives the same sequence; the c. name uses the placement nearest the transcript's 3' end. VCF-style (leftmost placement, unchanged base first): chr16-2111738-G-GGGCC. GRCh37 (hg19) VCF-style: chr16-2161739-G-GGGCC.
Other names: c.3425_3428dup, p.Val1144fs (NM_000296.4); c.3417_3420GGCC[4], p.Val1144Alafs (NM_001009944.2); c.3425_3428dup (NM_001009944.2); short protein forms V1144fs.
Identifiers: ClinVar variation 2502617 (VCV002502617.4), dbSNP rs2544830957, ClinGen allele CA2580613394.
Genomic context (GRCh38, chr16:2,111,738, plus strand): 5'-GAAGTCCCACGTGTAAAGAACACCCCCAGGCGAGGGCAGCGGGTGCGGGTAGAAGGTGAC[G>GGGCC]GGCCGGCCGGCCACCAGGACGCCGTCACTCACACCCACAGCCACGGAGGGCAGGGAGGCG-3'